The following is an entry in ClinVar:

ClinVar aggregate classification (germline): Likely benign. Review status: criteria provided, multiple submitters, no conflicts (2 of 4 stars). 3 submissions from 3 submitters: Likely benign (3). Last evaluated 2026-07-09.

Conditions:
MSH3-related disorder. Also called: MSH3-related condition.
Hereditary cancer-predisposing syndrome. Also called: Hereditary neoplastic syndrome; Neoplastic Syndromes, Hereditary; Hereditary Cancer Syndrome; Tumor predisposition. Identifiers: Orphanet 140162, MedGen C0027672, MeSH D009386, MONDO:0015356.

Allele frequency attached by ClinVar (database versions not stated): gnomAD exomes below 0.00001; TOPMed below 0.00001; ExAC 0.00001; gnomAD 0.00001; ESP Exome Variant Server 0.00008.
gnomAD v4.1: 7 of 1,608,968 alleles (0.00044%); highest among the groups gnomAD compares: African/African-American, 0.0013%; no homozygotes.

Submissions (3):

PreventionGenetics, part of Exact Sciences
Classification: Likely benign for MSH3-related condition. Last evaluated: 2026-07-09. Review status: criteria provided, single submitter. Criteria: ACMG Guidelines, 2015. Collection method: clinical testing. Allele origin: germline.
Comment: This variant is classified as likely benign based on ACMG/AMP sequence variant interpretation guidelines (Richards et al. 2015 PMID: 25741868, with internal and published modifications).

Labcorp Genetics (formerly Invitae), Labcorp
Classification: Likely benign. Last evaluated: 2026-01-20. Review status: criteria provided, single submitter. Criteria: Invitae Variant Classification Sherloc (09022015). Collection method: clinical testing. Allele origin: germline.

Ambry Genetics
Classification: Likely benign for Hereditary cancer-predisposing syndrome. Last evaluated: 2019-10-05. Review status: criteria provided, single submitter. Criteria: Ambry Variant Classification Scheme 2023. Collection method: clinical testing. Allele origin: germline.

NM_002439.5(MSH3):c.1644A>G (p.Leu548=)

Gene: MSH3 (mutS homolog 3; plus strand). Cytogenetic location: 5q14.1.
Variant type: single nucleotide variant.
Coding change: c.1644A>G on transcript NM_002439.5 (MANE Select); coding-DNA position 1644, A replaced by G.
Protein change: p.Leu548=; no amino-acid change (leucine 548 retained).
Molecular consequence: synonymous variant.
Genome position (GRCh38, 1-based): chr5:80,741,539, A>G. VCF-style: chr5-80741539-A-G. GRCh37 (hg19) VCF-style: chr5-80037358-A-G.
Identifiers: ClinVar variation 760661 (VCV000760661.14), dbSNP rs369130465, ClinGen allele CA3327986.